The following is an entry in ClinVar:

NM_002185.5(IL7R):c.366C>A (p.Asp122Glu)

Gene: IL7R (interleukin 7 receptor; plus strand). Cytogenetic location: 5p13.2.
Variant type: single nucleotide variant.
Coding change: c.366C>A on transcript NM_002185.5 (MANE Select); coding-DNA position 366, C replaced by A.
Protein change: p.Asp122Glu; replaces aspartic acid 122 with glutamic acid.
Molecular consequence: missense variant. On other transcripts: non-coding transcript variant (1).
Genome position (GRCh38, 1-based): chr5:35,867,450, C>A. VCF-style: chr5-35867450-C-A. GRCh37 (hg19) VCF-style: chr5-35867552-C-A.
Other names: short protein forms D122E.
Identifiers: ClinVar variation 1495041 (VCV001495041.6), dbSNP rs140473900, ClinGen allele CA3231928.

ClinVar aggregate classification (germline): Uncertain significance (1 of 4 stars; one submission).

Conditions:
Immunodeficiency 104. Also called: SCID, AUTOSOMAL RECESSIVE, T CELL-NEGATIVE, B CELL-POSITIVE, NK CELL-POSITIVE; Severe Combined Immune Deficiency, Autosomal Recessive, TCell -Negative, B Cell-Positive, NK Cell-Positive, IL7R-Related; IMMUNODEFICIENCY 104, SEVERE COMBINED; Severe combined immunodeficiency, autosomal recessive, T cell-negative, B cell-positive, NK cell-positive. Identifiers: MedGen C5676890, MONDO:0012163, OMIM 608971.

Allele frequency attached by ClinVar (database versions not stated): ExAC 0.00001; gnomAD 0.00001 and 0.00002; gnomAD exomes 0.00001 and 0.00002; TOPMed 0.00001; ESP Exome Variant Server 0.00008.
gnomAD v4.1: 29 of 1,612,592 alleles (0.0018%); highest among the groups gnomAD compares: Non-Finnish European, 0.0024%; no homozygotes.

Submission:

Labcorp Genetics (formerly Invitae), Labcorp
Classification: Uncertain significance for Immunodeficiency 104. Last evaluated: 2025-08-18. Review status: criteria provided, single submitter. Criteria: Invitae Variant Classification Sherloc (09022015). Collection method: clinical testing. Allele origin: germline.
Comment: This sequence change replaces aspartic acid, which is acidic and polar, with glutamic acid, which is acidic and polar, at codon 122 of the IL7R protein (p.Asp122Glu). This variant is present in population databases (rs140473900, gnomAD 0.003%). This variant has not been reported in the literature in individuals affected with IL7R-related conditions. ClinVar contains an entry for this variant (Variation ID: 1495041). Invitae Evidence Modeling of protein sequence and biophysical properties (such as structural, functional, and spatial information, amino acid conservation, physicochemical variation, residue mobility, and thermodynamic stability) indicates that this missense variant is not expected to disrupt IL7R protein function with a negative predictive value of 95%. In summary, the available evidence is currently insufficient to determine the role of this variant in disease. Therefore, it has been classified as a Variant of Uncertain Significance.